The following is an entry in ClinVar:

ClinVar aggregate classification (germline): Conflicting classifications of pathogenicity. Review status: criteria provided, conflicting classifications (1 of 4 stars). 2 submissions from 2 submitters: Uncertain significance (1); Likely benign (1). Last evaluated 2026-01-09.

Conditions:
LAMA2-related muscular dystrophy (LAMA2-RD). Also called: Laminin alpha 2-related dystrophy. Identifiers: MedGen C5679788, MONDO:0100228.

Allele frequency attached by ClinVar (database versions not stated): gnomAD exomes below 0.00001; ExAC 0.00002; TOPMed 0.00004; gnomAD 0.00005; 1000 Genomes Project 30x 0.00016; 1000 Genomes Project 0.00020.
gnomAD v4.1: 13 of 1,612,994 alleles (0.00081%); highest among the groups gnomAD compares: African/African-American, 0.015%; no homozygotes.

Submissions (2):

Labcorp Genetics (formerly Invitae), Labcorp
Classification: Likely benign for LAMA2-related muscular dystrophy. Last evaluated: 2026-01-09. Review status: criteria provided, single submitter. Criteria: Invitae Variant Classification Sherloc (09022015). Collection method: clinical testing. Allele origin: germline.

GeneDx
Classification: Uncertain significance. Last evaluated: 2022-12-05. Review status: criteria provided, single submitter. Criteria: GeneDx Variant Classification Process June 2021. Collection method: clinical testing. Allele origin: germline. Affected: yes.
Comment: In silico analysis supports that this missense variant does not alter protein structure/function; Has not been previously published as pathogenic or benign to our knowledge; This variant is associated with the following publications: (PMID: 8910357)

NM_000426.4(LAMA2):c.2233G>A (p.Val745Ile)

Gene: LAMA2 (laminin subunit alpha 2; plus strand). Cytogenetic location: 6q22.33.
Variant type: single nucleotide variant.
Coding change: c.2233G>A on transcript NM_000426.4 (MANE Select); coding-DNA position 2233, G replaced by A.
Protein change: p.Val745Ile; replaces valine 745 with isoleucine.
Molecular consequence: missense variant.
Genome position (GRCh38, 1-based): chr6:129,267,130, G>A. VCF-style: chr6-129267130-G-A. GRCh37 (hg19) VCF-style: chr6-129588275-G-A.
Other names: c.2233G>A, p.Val745Ile (NM_001079823.2); short protein forms V745I.
Identifiers: ClinVar variation 2156987 (VCV002156987.5), dbSNP rs577936545, ClinGen allele CA3992873.